The following is an entry in ClinVar:

NM_001384140.1(PCDH15):c.4671+1552A>G

Gene: PCDH15 (protocadherin related 15; minus strand). Cytogenetic location: 10q21.1.
Variant type: single nucleotide variant.
Coding change: c.4671+1552A>G on transcript NM_001384140.1 (MANE Select); 1552 bases into the intron after coding-DNA position 4671, A replaced by G.
Molecular consequence: intron variant. On other transcripts: synonymous variant (2), 3 prime UTR variant (1).
Genome position (GRCh38, 1-based): chr10:53,809,004, T>C on the plus strand (A>G on the coding strand, the complement: PCDH15 is on the minus strand). VCF-style: chr10-53809004-T-C. GRCh37 (hg19) VCF-style: chr10-55568764-T-C.
Other names: c.5061A>G, p.Gln1687= (NM_001142769.4); c.*476A>G (NM_001142770.3); c.5040A>G, p.Gln1680= (NM_001354411.2); c.4476+1552A>G (NM_001354420.2); c.4605+1552A>G (NM_001354429.2); c.4482+1552A>G (NM_001142772.2); c.4497+1552A>G (NM_001142771.2); c.5061A>G (NM_001142769.1).
Identifiers: ClinVar variation 2064111 (VCV002064111.6), dbSNP rs761496222, ClinGen allele CA5504736.

ClinVar aggregate classification (germline): Likely benign. Review status: criteria provided, multiple submitters, no conflicts (2 of 4 stars). 3 submissions from 3 submitters: Likely benign (3). Last evaluated 2025-09-09.

Conditions:
PCDH15-related disorder. Also called: PCDH15-related condition; PCDH15-related disorders.

Allele frequency attached by ClinVar (database versions not stated): gnomAD 0.00001; gnomAD exomes 0.00005; TOPMed 0.00006; ExAC 0.00021.
gnomAD v4.1: 30 of 1,576,158 alleles (0.0019%); highest among the groups gnomAD compares: Admixed American, 0.055%; no homozygotes.

Submissions (3):

PreventionGenetics, part of Exact Sciences
Classification: Likely benign for PCDH15-related condition. Last evaluated: 2025-09-09. Review status: criteria provided, single submitter. Criteria: ACMG Guidelines, 2015. Collection method: clinical testing. Allele origin: germline.
Comment: This variant is classified as likely benign based on ACMG/AMP sequence variant interpretation guidelines (Richards et al. 2015 PMID: 25741868, with internal and published modifications).

Blueprint Genetics
Classification: Likely benign. Last evaluated: 2022-11-02. Review status: criteria provided, single submitter. Criteria: ACMG Guidelines, 2015. Collection method: clinical testing. Allele origin: germline.

Labcorp Genetics (formerly Invitae), Labcorp
Classification: Likely benign. Last evaluated: 2020-10-18. Review status: criteria provided, single submitter. Criteria: Invitae Variant Classification Sherloc (09022015). Collection method: clinical testing. Allele origin: germline.